The following is an entry in ClinVar:

ClinVar aggregate classification (germline): Benign. Review status: criteria provided, multiple submitters, no conflicts (2 of 4 stars). 7 submissions from 7 submitters: Benign (7). Last evaluated 2026-02-01.

Conditions:
Cleidocranial dysostosis (CLCD1). Also called: cleidocranial dysplasia 1; Cleidocranial Dysplasia Spectrum Disorder; Marie-Sainton disease. Identifiers: Orphanet 1452, MedGen C0008928, MONDO:0007340, OMIM 119600.

Allele frequency attached by ClinVar (database versions not stated): TOPMed 0.06679; gnomAD 0.07604 and 0.08039; 1000 Genomes Project 0.07728.
gnomAD v4.1: 150,822 of 1,487,112 alleles (10%); highest among the groups gnomAD compares: South Asian, 20%; 8,793 homozygotes.

Submissions (7):

Labcorp Genetics (formerly Invitae), Labcorp
Classification: Benign. Last evaluated: 2026-02-01. Review status: criteria provided, single submitter. Criteria: Invitae Variant Classification Sherloc (09022015). Collection method: clinical testing. Allele origin: germline.

ARUP Laboratories, Molecular Genetics and Genomics, ARUP Laboratories
Classification: Benign. Last evaluated: 2025-03-17. Review status: criteria provided, single submitter. Criteria: ARUP Molecular Germline Variant Investigation Process 2024. Collection method: clinical testing. Allele origin: germline.

Blueprint Genetics
Classification: Benign. Last evaluated: 2024-11-27. Review status: criteria provided, single submitter. Criteria: ACMG Guidelines, 2015. Collection method: clinical testing. Allele origin: germline.

GeneDx
Classification: Benign. Last evaluated: 2018-08-21. Review status: criteria provided, single submitter. Criteria: GeneDx Variant Classification Process June 2021. Collection method: clinical testing. Allele origin: germline. Affected: yes.

Illumina Laboratory Services, Illumina
Classification: Benign for Cleidocranial dysostosis. Last evaluated: 2018-01-12. Review status: criteria provided, single submitter. Criteria: ICSL Variant Classification Criteria 13 December 2019. Collection method: clinical testing. Allele origin: germline.
Comment: This variant was observed in the ICSL laboratory as part of a predisposition screen in an ostensibly healthy population. It had not been previously curated by ICSL or reported in the Human Gene Mutation Database (HGMD: prior to June 1st, 2018), and was therefore a candidate for classification through an automated scoring system. Utilizing variant allele frequency, disease prevalence and penetrance estimates, and inheritance mode, an automated score was calculated to assess if this variant is too frequent to cause the disease. Based on the score and internal cut-off values, a variant classified as benign is not then subjected to further curation. The score for this variant resulted in a classification of benign for this disease.

Eurofins Ntd Llc (ga)
Classification: Benign. Last evaluated: 2014-12-09. Review status: criteria provided, single submitter. Criteria: EGL Classification Definitions 2015. Collection method: clinical testing. Allele origin: germline. Observed: 2 variant alleles, 1 heterozygote, 1 homozygote.

PreventionGenetics, part of Exact Sciences
Classification: Benign. Review status: criteria provided, single submitter. Criteria: ACMG Guidelines, 2015. Collection method: clinical testing. Allele origin: germline.

NM_001024630.4(RUNX2):c.240G>A (p.Ala80=)

Genes: RUNX2 (RUNX family transcription factor 2; plus strand), LOC109611589 (runt related transcription factor 2 polyalanine expansion region; plus strand). Cytogenetic location: 6p21.1.
Variant type: single nucleotide variant.
Coding change: c.240G>A on transcript NM_001024630.4 (MANE Select); coding-DNA position 240, G replaced by A.
Protein change: p.Ala80=; no amino-acid change (alanine 80 retained).
Molecular consequence: synonymous variant.
Genome position (GRCh38, 1-based): chr6:45,422,774, G>A. VCF-style: chr6-45422774-G-A. GRCh37 (hg19) VCF-style: chr6-45390511-G-A.
Other names: c.240G>A, p.Ala80= (NM_001015051.4); c.198G>A, p.Ala66= (NM_001278478.2, NM_001369405.1).
Identifiers: ClinVar variation 196301 (VCV000196301.22), dbSNP rs6921145, ClinGen allele CA202268.
Genomic context (GRCh38, chr6:45,422,774, plus strand): 5'-GCAGCAGCAGCAGCAACAGCAGCAGCAGCAGCAGGAGGCGGCGGCGGCGGCTGCGGCGGC[G>A]GCGGCGGCTGCGGCGGCGGCAGCTGCAGTGCCCCGGTTGCGGCCGCCCCACGACAACCGC-3'
Protein context (NP_001019801.3, residues 70-90): QQEAAAAAAA[Ala80=]AAAAAAAAAV